The following is an entry in ClinVar:

ClinVar aggregate classification (germline): Uncertain significance (1 of 4 stars; one submission).

Allele frequency attached by ClinVar (database versions not stated): ExAC 0.00003; TOPMed 0.00004.
gnomAD v4.1: 7 of 1,614,040 alleles (0.00043%); highest among the groups gnomAD compares: South Asian, 0.0055%; no homozygotes.

Submission:

Labcorp Genetics (formerly Invitae), Labcorp
Classification: Uncertain significance. Last evaluated: 2023-12-11. Review status: criteria provided, single submitter. Criteria: Invitae Variant Classification Sherloc (09022015). Collection method: clinical testing. Allele origin: germline.
Comment: This sequence change replaces proline, which is neutral and non-polar, with leucine, which is neutral and non-polar, at codon 1774 of the CCDC88A protein (p.Pro1774Leu). This variant is present in population databases (rs749584258, gnomAD 0.03%). This variant has not been reported in the literature in individuals affected with CCDC88A-related conditions. ClinVar contains an entry for this variant (Variation ID: 2155346). Algorithms developed to predict the effect of missense changes on protein structure and function output the following: SIFT: "Not Available"; PolyPhen-2: "Benign"; Align-GVGD: "Not Available". The leucine amino acid residue is found in multiple mammalian species, which suggests that this missense change does not adversely affect protein function. In summary, the available evidence is currently insufficient to determine the role of this variant in disease. Therefore, it has been classified as a Variant of Uncertain Significance.

NM_001365480.1(CCDC88A):c.5324C>T (p.Pro1775Leu)

Gene: CCDC88A (coiled-coil domain containing 88A; minus strand). Cytogenetic location: 2p16.1.
Variant type: single nucleotide variant.
Coding change: c.5324C>T on transcript NM_001365480.1 (MANE Select); coding-DNA position 5324, C replaced by T.
Protein change: p.Pro1775Leu; replaces proline 1775 with leucine.
Molecular consequence: missense variant. On other transcripts: intron variant (1).
Genome position (GRCh38, 1-based): chr2:55,295,824, G>A on the plus strand (C>T on the coding strand, the complement: CCDC88A is on the minus strand). VCF-style: chr2-55295824-G-A. GRCh37 (hg19) VCF-style: chr2-55522960-G-A.
Other names: c.5321C>T, p.Pro1774Leu (NM_001135597.2); c.5240C>T, p.Pro1747Leu (NM_018084.5); c.5196-97C>T (NM_001254943.2); short protein forms P1774L, P1775L, P1747L.
Identifiers: ClinVar variation 2155346 (VCV002155346.3), dbSNP rs749584258, ClinGen allele CA1665340.